The following is an entry in ClinVar:

NM_015015.3(KDM4B):c.432+1G>A

Gene: KDM4B (lysine demethylase 4B; plus strand). Cytogenetic location: 19p13.3.
Variant type: single nucleotide variant.
Coding change: c.432+1G>A on transcript NM_015015.3 (MANE Select); the canonical splice donor site of the intron after coding-DNA position 432, G replaced by A.
Molecular consequence: splice donor variant.
Genome position (GRCh38, 1-based): chr19:5,041,252, G>A. VCF-style: chr19-5041252-G-A. GRCh37 (hg19) VCF-style: chr19-5041263-G-A.
Other names: c.432+1G>A (NM_001370094.1, NM_001411148.1, NM_001370093.1).
Identifiers: ClinVar variation 3113801 (VCV003113801.2), dbSNP rs1432451428, ClinGen allele CA403490825.

ClinVar aggregate classification (germline): Pathogenic/Likely pathogenic. Review status: criteria provided, multiple submitters, no conflicts (2 of 4 stars). 2 submissions from 2 submitters: Pathogenic (1); Likely pathogenic (1). Last evaluated 2025-05-10.

Conditions:
Inborn genetic diseases. Identifiers: MedGen C0950123, MeSH D030342.

Allele frequency attached by ClinVar (database versions not stated): gnomAD exomes below 0.00001; TOPMed below 0.00001; gnomAD 0.00001.
gnomAD v4.1: 2 of 1,606,560 alleles (0.00012%); highest among the groups gnomAD compares: Non-Finnish European, 0.00017%; no homozygotes.

Submissions (2):

GeneDx
Classification: Pathogenic. Last evaluated: 2025-05-10. Review status: criteria provided, single submitter. Criteria: GeneDx Variant Classification Process June 2021. Collection method: clinical testing. Allele origin: germline. Affected: yes.
Comment: Canonical splice site variant predicted to result in a null allele in a gene for which loss of function is a known mechanism of disease; Not observed at significant frequency in large population cohorts (gnomAD); Has not been previously published as pathogenic or benign to our knowledge

Ambry Genetics
Classification: Likely pathogenic for Inborn genetic diseases. Last evaluated: 2023-09-19. Review status: criteria provided, single submitter. Criteria: Ambry Variant Classification Scheme 2023. Collection method: clinical testing. Allele origin: germline.
Comment: The c.432+1G>A intronic alteration consists of a G to A substitution one nucleotide after exon 5 (coding exon 3) of the KDM4B gene. Alterations that disrupt the canonical splice site are expected to cause aberrant splicing, resulting in an abnormal protein or a transcript that is subject to nonsense-mediated mRNA decay. This variant was not reported in population-based cohorts in the Genome Aggregation Database (gnomAD). This nucleotide position is highly conserved in available vertebrate species. In silico splice site analysis predicts that this alteration will weaken the native splice donor site and will result in the creation or strengthening of a novel splice donor site. Based on the available evidence, this alteration is classified as likely pathogenic.